The following is an entry in ClinVar:

ClinVar aggregate classification (germline): Uncertain significance (1 of 4 stars; one submission).

Conditions:
Combined immunodeficiency due to ZAP70 deficiency (IMD48). Also called: ZAP70 Deficiency; Immunodeficiency 48. Identifiers: Orphanet 911, MedGen C2931299, MONDO:0010023, OMIM 269840.

Submission:

Labcorp Genetics (formerly Invitae), Labcorp
Classification: Uncertain significance for Combined immunodeficiency due to ZAP70 deficiency. Last evaluated: 2024-02-24. Review status: criteria provided, single submitter. Criteria: Invitae Variant Classification Sherloc (09022015). Collection method: clinical testing. Allele origin: germline.
Comment: This sequence change replaces alanine, which is neutral and non-polar, with valine, which is neutral and non-polar, at codon 76 of the ZAP70 protein (p.Ala76Val). This variant is not present in population databases (gnomAD no frequency). This variant has not been reported in the literature in individuals affected with ZAP70-related conditions. ClinVar contains an entry for this variant (Variation ID: 1505533). An algorithm developed to predict the effect of missense changes on protein structure and function (PolyPhen-2) suggests that this variant is likely to be disruptive. In summary, the available evidence is currently insufficient to determine the role of this variant in disease. Therefore, it has been classified as a Variant of Uncertain Significance.

NM_001079.4(ZAP70):c.227C>T (p.Ala76Val)

Gene: ZAP70 (zeta chain of T cell receptor associated protein kinase 70; plus strand). Cytogenetic location: 2q11.2.
Variant type: single nucleotide variant.
Coding change: c.227C>T on transcript NM_001079.4 (MANE Select); coding-DNA position 227, C replaced by T.
Protein change: p.Ala76Val; replaces alanine 76 with valine.
Molecular consequence: missense variant.
Genome position (GRCh38, 1-based): chr2:97,724,263, C>T. VCF-style: chr2-97724263-C-T. GRCh37 (hg19) VCF-style: chr2-98340726-C-T.
Other names: c.227C>T, p.Ala76Val (NM_001378594.1); short protein forms A76V.
Identifiers: ClinVar variation 1505533 (VCV001505533.8), dbSNP rs2104661815, ClinGen allele CA347789580.